The following is an entry in ClinVar:

ClinVar aggregate classification (germline): Uncertain significance (1 of 4 stars; one submission).

Submission:

Labcorp Genetics (formerly Invitae), Labcorp
Classification: Uncertain significance. Last evaluated: 2025-03-03. Review status: criteria provided, single submitter. Criteria: Invitae Variant Classification Sherloc (09022015). Collection method: clinical testing. Allele origin: germline.
Comment: This sequence change replaces leucine, which is neutral and non-polar, with valine, which is neutral and non-polar, at codon 822 of the ARHGAP31 protein (p.Leu822Val). This variant is not present in population databases (gnomAD no frequency). This variant has not been reported in the literature in individuals affected with ARHGAP31-related conditions. ClinVar contains an entry for this variant (Variation ID: 2719666). An algorithm developed to predict the effect of missense changes on protein structure and function (PolyPhen-2) suggests that this variant is likely to be tolerated. In summary, the available evidence is currently insufficient to determine the role of this variant in disease. Therefore, it has been classified as a Variant of Uncertain Significance.

NM_020754.4(ARHGAP31):c.2464C>G (p.Leu822Val)

Gene: ARHGAP31 (Rho GTPase activating protein 31; plus strand). Cytogenetic location: 3q13.33.
Variant type: single nucleotide variant.
Coding change: c.2464C>G on transcript NM_020754.4 (MANE Select); coding-DNA position 2464, C replaced by G.
Protein change: p.Leu822Val; replaces leucine 822 with valine.
Molecular consequence: missense variant.
Genome position (GRCh38, 1-based): chr3:119,414,393, C>G. VCF-style: chr3-119414393-C-G. GRCh37 (hg19) VCF-style: chr3-119133240-C-G.
Other names: short protein forms L822V.
Identifiers: ClinVar variation 2719666 (VCV002719666.3), dbSNP rs2472875917, ClinGen allele CA354051422.